The following is an entry in ClinVar:

NM_018026.4(PACS1):c.1305T>A (p.Ala435=)

Gene: PACS1 (phosphofurin acidic cluster sorting protein 1; plus strand). Cytogenetic location: 11q13.2.
Variant type: single nucleotide variant.
Coding change: c.1305T>A on transcript NM_018026.4 (MANE Select); coding-DNA position 1305, T replaced by A.
Protein change: p.Ala435=; no amino-acid change (alanine 435 retained).
Molecular consequence: synonymous variant.
Genome position (GRCh38, 1-based): chr11:66,227,515, T>A. VCF-style: chr11-66227515-T-A. GRCh37 (hg19) VCF-style: chr11-65994986-T-A.
Other names: c.1305T>A (NM_018026.3).
Identifiers: ClinVar variation 2150873 (VCV002150873.5), dbSNP rs753506695, ClinGen allele CA6116545.

ClinVar aggregate classification (germline): Likely benign. Review status: criteria provided, multiple submitters, no conflicts (2 of 4 stars). 2 submissions from 2 submitters: Likely benign (2). Last evaluated 2025-10-06.

Conditions:
Schuurs-Hoeijmakers syndrome. Also called: PACS1-Related Neurodevelopmental Disorder. Identifiers: Orphanet 329224, MedGen C3554343, MONDO:0014006, OMIM 615009.
PACS1-related disorder. Also called: PACS1-related condition.

Allele frequency attached by ClinVar (database versions not stated): gnomAD exomes 0.00010; ExAC 0.00002; gnomAD 0.00005; TOPMed 0.00005.
gnomAD v4.1: 142 of 1,601,672 alleles (0.0089%); highest among the groups gnomAD compares: Non-Finnish European, 0.011%; 1 homozygote.

Submissions (2):

PreventionGenetics, part of Exact Sciences
Classification: Likely benign for PACS1-related condition. Last evaluated: 2025-10-06. Review status: criteria provided, single submitter. Criteria: ACMG Guidelines, 2015. Collection method: clinical testing. Allele origin: germline.
Comment: This variant is classified as likely benign based on ACMG/AMP sequence variant interpretation guidelines (Richards et al. 2015 PMID: 25741868, with internal and published modifications).

Labcorp Genetics (formerly Invitae), Labcorp
Classification: Likely benign for Schuurs-Hoeijmakers syndrome. Last evaluated: 2025-03-31. Review status: criteria provided, single submitter. Criteria: Invitae Variant Classification Sherloc (09022015). Collection method: clinical testing. Allele origin: germline.